The following is an entry in ClinVar:

NM_001165963.4(SCN1A):c.5765T>G (p.Ile1922Ser)

Genes: SCN1A (sodium voltage-gated channel alpha subunit 1; minus strand), LOC102724058 (uncharacterized LOC102724058; plus strand). Cytogenetic location: 2q24.3.
Variant type: single nucleotide variant.
Coding change: c.5765T>G on transcript NM_001165963.4 (MANE Select); coding-DNA position 5765, T replaced by G.
Protein change: p.Ile1922Ser; replaces isoleucine 1922 with serine.
Molecular consequence: missense variant. On other transcripts: non-coding transcript variant (1).
Genome position (GRCh38, 1-based): chr2:165,991,510, A>C on the plus strand (T>G on the coding strand, the complement: SCN1A is on the minus strand). VCF-style: chr2-165991510-A-C. GRCh37 (hg19) VCF-style: chr2-166848020-A-C.
Other names: c.5681T>G, p.Ile1894Ser (NM_001165964.3, NM_001353957.2, NM_001353958.2); c.5765T>G, p.Ile1922Ser (NM_001202435.3, NM_001353948.2); c.5732T>G, p.Ile1911Ser (NM_001353949.2, NM_001353950.2, NM_001353951.2 and 2 more transcripts); c.5729T>G, p.Ile1910Ser (NM_001353954.2, NM_001353955.2); c.5678T>G, p.Ile1893Ser (NM_001353960.2); c.3323T>G, p.Ile1108Ser (NM_001353961.2); short protein forms I1922S, I1911S, I1108S, I1893S, I1894S, I1910S.
Identifiers: ClinVar variation 408935 (VCV000408935.9), dbSNP rs121917981, ClinGen allele CA16610266.
Genomic context (GRCh38, chr2:165,991,510, plus strand): 5'-TACGTAAAGGAAGCTTGTTTTACAGTTCGCTTTAAAAGGTGGCGTCTGTAAGCACGCTGA[A>C]TAATGACAGCAGATACTTCCTCTTGTTTTCGTTTTAAAGTAGTAGTGATTGGCTGATAGG-3'
Protein context (NP_001159435.1, residues 1912-1932): RKQEEVSAVI[Ile1922Ser]QRAYRRHLLK

ClinVar aggregate classification (germline): Pathogenic (1 of 4 stars; one submission).

Conditions:
Early-infantile DEE. Also called: Early infantile epileptic encephalopathy; Early infantile epileptic encephalopathy with suppression bursts; Ohtahara syndrome. Identifiers: Orphanet 1934, MedGen C0393706, MONDO:0800491.

Submission:

Labcorp Genetics (formerly Invitae), Labcorp
Classification: Pathogenic for Early-infantile DEE. Last evaluated: 2023-07-06. Review status: criteria provided, single submitter. Criteria: Invitae Variant Classification Sherloc (09022015). Collection method: clinical testing. Allele origin: germline.
Comment: This sequence change replaces isoleucine, which is neutral and non-polar, with serine, which is neutral and polar, at codon 1922 of the SCN1A protein (p.Ile1922Ser). This variant is not present in population databases (gnomAD no frequency). This missense change has been observed in individual(s) with clinical features of SCN1A-related conditions (Invitae). In at least one individual the variant was observed to be de novo. ClinVar contains an entry for this variant (Variation ID: 408935). Advanced modeling of protein sequence and biophysical properties (such as structural, functional, and spatial information, amino acid conservation, physicochemical variation, residue mobility, and thermodynamic stability) performed at Invitae indicates that this missense variant is expected to disrupt SCN1A protein function. This variant disrupts the p.Ile992 amino acid residue in SCN1A. Other variant(s) that disrupt this residue have been observed in individuals with SCN1A-related conditions (PMID: 17347258, 23895530), which suggests that this may be a clinically significant amino acid residue. For these reasons, this variant has been classified as Pathogenic.

Literature cited by the submitters: PubMed 17347258; PubMed 23895530.